The following is an entry in ClinVar:

NM_152564.5(VPS13B):c.7821T>C (p.Phe2607=)

Gene: VPS13B (vacuolar protein sorting 13 homolog B; plus strand). Cytogenetic location: 8q22.2.
Variant type: single nucleotide variant.
Coding change: c.7821T>C on transcript NM_152564.5 (MANE Select); coding-DNA position 7821, T replaced by C.
Protein change: p.Phe2607=; no amino-acid change (phenylalanine 2607 retained).
Molecular consequence: synonymous variant.
Genome position (GRCh38, 1-based): chr8:99,784,356, T>C. VCF-style: chr8-99784356-T-C. GRCh37 (hg19) VCF-style: chr8-100796584-T-C.
Other names: c.7821T>C (NM_152564.4); c.7896T>C, p.Phe2632= (NM_017890.5).
Identifiers: ClinVar variation 1635808 (VCV001635808.9), dbSNP rs1229910112, ClinGen allele CA462335263.

ClinVar aggregate classification (germline): Likely benign. Review status: criteria provided, single submitter (1 of 4 stars). 2 submissions from 2 submitters: Likely benign (1). 1 of the submissions does not count toward it. Last evaluated 2021-06-20.

Conditions:
VPS13B-related disorder. Also called: VPS13B-related condition.
Cohen syndrome (COH1). Also called: Cutis verticis gyrata, retinitis pigmentosa, and sensorineural deafness; PEPPER SYNDROME. Identifiers: Orphanet 193, MedGen C0265223, MONDO:0008999, OMIM 216550.

Allele frequency attached by ClinVar (database versions not stated): gnomAD exomes below 0.00001.
gnomAD v4.1: 1 of 1,613,780 alleles (0.000062%); highest among the groups gnomAD compares: Non-Finnish European, 0.000085%; no homozygotes.

Submissions (2):

Labcorp Genetics (formerly Invitae), Labcorp
Classification: Likely benign for Cohen syndrome. Last evaluated: 2021-06-20. Review status: criteria provided, single submitter. Criteria: Invitae Variant Classification Sherloc (09022015). Collection method: clinical testing. Allele origin: germline.

PreventionGenetics, part of Exact Sciences
Classification: Likely benign for VPS13B-related condition. Last evaluated: 2024-09-12. Review status: no assertion criteria provided. Collection method: clinical testing. Allele origin: germline. Not counted in ClinVar's aggregate classification.
Comment: This variant is classified as likely benign based on ACMG/AMP sequence variant interpretation guidelines (Richards et al. 2015 PMID: 25741868, with internal and published modifications).